The following is an entry in ClinVar:

ClinVar aggregate classification (germline): Conflicting classifications of pathogenicity. Review status: criteria provided, conflicting classifications (1 of 4 stars). 2 submissions from 2 submitters: Pathogenic (1); Likely benign (1). Last evaluated 2024-12-27.

Conditions:
Mucopolysaccharidosis type 6 (MPS6). Also called: N-ACETYLGALACTOSAMINE-4-SULFATASE DEFICIENCY; MPS VI; MPS 6; Maroteaux Lamy syndrome; ARSB DEFICIENCY; ARYLSULFATASE B DEFICIENCY. Identifiers: Orphanet 583, MedGen C0026709, MONDO:0009661, OMIM 253200.

Submissions (2):

Women's Health and Genetics/Laboratory Corporation of America, LabCorp
Classification: Pathogenic for Mucopolysaccharidosis type 6. Last evaluated: 2024-12-27. Review status: criteria provided, single submitter. Criteria: LabCorp Variant Classification Summary - May 2015. Collection method: clinical testing. Allele origin: germline.
Comment: Variant summary: ARSB c.710C>A (p.Ala237Asp) results in a non-conservative amino acid change in the encoded protein sequence. Five of five in-silico tools predict a damaging effect of the variant on protein function. The variant was absent in 251326 control chromosomes (gnomAD). c.710C>A has been reported in the literature in individuals affected with Mucopolysaccharidosis Type VI (Maroteaux-Lamy Syndrome; e.g. Brands_2013, Uttarilli_2017). These data indicate that the variant is likely to be associated with disease. Publications report experimental evidence evaluating an impact on protein function. The most pronounced variant effect results in <10% of normal activity (Brands_2013, Uttarilli_2017). The following publications have been ascertained in the context of this evaluation (PMID: 23557332, 27826022). ClinVar contains an entry for this variant (Variation ID: 559805). Based on the evidence outlined above, the variant was classified as pathogenic.

Laboratory of Diagnosis and Therapy of Lysosomal Disorders, University of Padova
Classification: Likely benign for Mucopolysaccharidosis type 6. Last evaluated: 2018-01-01. Review status: criteria provided, single submitter. Criteria: ACMG Guidelines, 2015. Collection method: curation. Allele origin: germline. Affected: yes.
Comment: In vitro functional studies supportive of a damaging effect on the gene product (low to no ARSB activity in homozygotes; PS3); Absent from GnomAD (PM2); Multiple lines of computational evidence support a deleterious effect on the gene product (PP3)

Literature cited by the submitters: PubMed 23557332 (cited by Women's Health and Genetics/Laboratory Corporation of America, LabCorp and Laboratory of Diagnosis and Therapy of Lysosomal Disorders, University of Padova); PubMed 27826022 (cited by Women's Health and Genetics/Laboratory Corporation of America, LabCorp); PubMed 26609033 (cited by Laboratory of Diagnosis and Therapy of Lysosomal Disorders, University of Padova); PubMed 30118150 (cited by Laboratory of Diagnosis and Therapy of Lysosomal Disorders, University of Padova).

NM_000046.5(ARSB):c.710C>A (p.Ala237Asp)

Gene: ARSB (arylsulfatase B; minus strand). Cytogenetic location: 5q14.1.
Variant type: single nucleotide variant.
Coding change: c.710C>A on transcript NM_000046.5 (MANE Select); coding-DNA position 710, C replaced by A.
Protein change: p.Ala237Asp; replaces alanine 237 with aspartic acid.
Molecular consequence: missense variant.
Genome position (GRCh38, 1-based): chr5:78,955,483, G>T on the plus strand (C>A on the coding strand, the complement: ARSB is on the minus strand). VCF-style: chr5-78955483-G-T. GRCh37 (hg19) VCF-style: chr5-78251306-G-T.
Other names: c.710C>A, p.Ala237Asp (NM_198709.3); short protein forms A237D.
Identifiers: ClinVar variation 559805 (VCV000559805.2), dbSNP rs1554086435, ClinGen allele CA360192314.